The following is an entry in ClinVar:

NM_006231.4(POLE):c.1836dup (p.Val613fs)

Gene: POLE (DNA polymerase epsilon, catalytic subunit; minus strand). Cytogenetic location: 12q24.33.
Variant type: Duplication.
Coding change: c.1836dup on transcript NM_006231.4 (MANE Select); coding-DNA position 1836, one base duplicated (C; older notation c.1836dupC).
Protein change: p.Val613fs; shifts the reading frame from valine 613.
Molecular consequence: frameshift variant.
Genome position (GRCh38, 1-based): chr12:132,668,898, G duplicated on the plus strand (C on the coding strand, the reverse complement: POLE is on the minus strand). VCF-style (leftmost placement, unchanged base first): chr12-132668897-C-CG. GRCh37 (hg19) VCF-style: chr12-133245483-C-CG.
Other names: c.1836dupC (NM_006231.2, NM_006231.3); short protein forms V613fs.
Identifiers: ClinVar variation 540790 (VCV000540790.9), dbSNP rs1555227419, ClinGen allele CA482849577.

ClinVar aggregate classification (germline): Conflicting classifications of pathogenicity. Review status: criteria provided, conflicting classifications (1 of 4 stars). 2 submissions from 2 submitters: Pathogenic (1); Uncertain significance (1). Last evaluated 2025-06-25.

Conditions:
Hereditary cancer-predisposing syndrome. Also called: Neoplastic Syndromes, Hereditary; Hereditary Cancer Syndrome; Hereditary neoplastic syndrome; Tumor predisposition. Identifiers: Orphanet 140162, MedGen C0027672, MeSH D009386, MONDO:0015356.

Allele frequency attached by ClinVar (database versions not stated): gnomAD exomes below 0.00001.

Submissions (2):

Ambry Genetics
Classification: Uncertain significance for Hereditary cancer-predisposing syndrome. Last evaluated: 2025-06-25. Review status: criteria provided, single submitter. Criteria: Ambry Variant Classification Scheme 2023. Collection method: clinical testing. Allele origin: germline.
Comment: The c.1836dupC variant, located in coding exon 17 of the POLE gene, results from a duplication of C at nucleotide position 1836, causing a translational frameshift with a predicted alternate stop codon (p.V613Rfs*43). This alteration is expected to result in loss of function by premature protein truncation or nonsense-mediated mRNA decay. Although biallelic loss of function of POLE has been associated with autosomal recessive POLE deficiency, haploinsufficiency of POLE has not been established as a mechanism of disease for POLE-related polymerase proofreading-associated polyposis (PPAP) and POLE-related CMMRD-like syndrome. Based on the supporting evidence, this variant is expected to be causative of POLE deficiency when present along with a second pathogenic variant on the other allele; however, its clinical significance for PPAP and POLE-related CMMRD-like syndrome is unclear.

Labcorp Genetics (formerly Invitae), Labcorp
Classification: Pathogenic. Last evaluated: 2022-11-06. Review status: criteria provided, single submitter. Criteria: Invitae Variant Classification Sherloc (09022015). Collection method: clinical testing. Allele origin: germline.
Comment: ClinVar contains an entry for this variant (Variation ID: 540790). This variant has not been reported in the literature in individuals affected with POLE-related conditions. This variant is not present in population databases (gnomAD no frequency). This sequence change creates a premature translational stop signal (p.Val613Argfs*43) in the POLE gene. It is expected to result in an absent or disrupted protein product. Loss-of-function variants in POLE are known to be pathogenic (PMID: 23230001, 25948378, 30503519). For these reasons, this variant has been classified as Pathogenic.

Literature cited by the submitters: PubMed 23230001 (cited by Labcorp Genetics (formerly Invitae), Labcorp); PubMed 25948378 (cited by Labcorp Genetics (formerly Invitae), Labcorp); PubMed 30503519 (cited by Labcorp Genetics (formerly Invitae), Labcorp).